The following is an entry in ClinVar:

ClinVar aggregate classification (germline): Benign/Likely benign. Review status: criteria provided, multiple submitters, no conflicts (2 of 4 stars). 8 submissions from 8 submitters: Benign (2); Likely benign (6). Last evaluated 2025-09-15.

Conditions:
Hereditary cancer-predisposing syndrome. Also called: Hereditary neoplastic syndrome; Neoplastic Syndromes, Hereditary; Tumor predisposition; Hereditary Cancer Syndrome. Identifiers: Orphanet 140162, MedGen C0027672, MeSH D009386, MONDO:0015356.
Tuberous sclerosis syndrome (TSC). Also called: Tuberous Sclerosis Complex; Tuberous sclerosis. Identifiers: Orphanet 805, MedGen C0041341, MONDO:0001734.
Tuberous sclerosis 2 (TSC2). Identifiers: Orphanet 805, MedGen C1860707, MONDO:0013199, OMIM 613254.

Allele frequency attached by ClinVar (database versions not stated): gnomAD exomes below 0.00001 and 0.00001; gnomAD 0.00001; TOPMed 0.00001; ExAC 0.00002.
gnomAD v4.1: 6 of 1,613,354 alleles (0.00037%); highest among the groups gnomAD compares: East Asian, 0.0089%; no homozygotes.

Submissions (8):

Labcorp Genetics (formerly Invitae), Labcorp
Classification: Likely benign for Tuberous sclerosis 2. Last evaluated: 2025-09-15. Review status: criteria provided, single submitter. Criteria: Invitae Variant Classification Sherloc (09022015). Collection method: clinical testing. Allele origin: germline.

Myriad Genetics, Inc.
Classification: Benign for Tuberous sclerosis 2. Last evaluated: 2025-05-22. Review status: criteria provided, single submitter. Criteria: Myriad Autosomal Dominant, Autosomal Recessive and X-Linked Classification Criteria (2023). Collection method: clinical testing. Allele origin: unknown.
Comment: This variant is considered benign. This variant is a silent/synonymous amino acid change and it is not expected to impact splicing.

All of Us Research Program, National Institutes of Health
Classification: Likely benign for Tuberous sclerosis syndrome. Last evaluated: 2023-12-13. Review status: criteria provided, single submitter. Criteria: ACMG Guidelines, 2015. Collection method: clinical testing. Allele origin: germline. Inheritance: Autosomal dominant inheritance. Observed: 5 variant alleles, 5 heterozygotes.
Comment: This study involves interpretation of variants in research participants for the purpose of population health screening. Participant phenotype was not available at the time of variant classification. Additional details can be found in publication PMID: 35346344, PMCID: PMC8962531

KCCC/NGS Laboratory, Kuwait Cancer Control Center
Classification: Likely benign for Tuberous sclerosis 2. Last evaluated: 2023-07-07. Review status: criteria provided, single submitter. Criteria: ACMG Guidelines, 2015. Collection method: clinical testing. Allele origin: germline. Affected: yes.

Color Diagnostics, LLC DBA Color Health
Classification: Likely benign for Tuberous sclerosis syndrome. Last evaluated: 2022-09-28. Review status: criteria provided, single submitter. Criteria: ACMG Guidelines, 2015. Collection method: clinical testing. Allele origin: germline.

Genome-Nilou Lab
Classification: Benign for Tuberous sclerosis 2. Last evaluated: 2021-11-07. Review status: criteria provided, single submitter. Criteria: ACMG Guidelines, 2015. Collection method: clinical testing. Allele origin: germline. Affected: no.

GeneDx
Classification: Likely benign. Last evaluated: 2020-08-25. Review status: criteria provided, single submitter. Criteria: GeneDx Variant Classification Process June 2021. Collection method: clinical testing. Allele origin: germline. Affected: yes.

Ambry Genetics
Classification: Likely benign for Hereditary cancer-predisposing syndrome. Last evaluated: 2018-10-09. Review status: criteria provided, single submitter. Criteria: Ambry Variant Classification Scheme 2023. Collection method: clinical testing. Allele origin: germline.

NM_000548.5(TSC2):c.2748G>A (p.Leu916=)

Gene: TSC2 (TSC complex subunit 2; plus strand). Cytogenetic location: 16p13.3.
Variant type: single nucleotide variant.
Coding change: c.2748G>A on transcript NM_000548.5 (MANE Select); coding-DNA position 2748, G replaced by A.
Protein change: p.Leu916=; no amino-acid change (leucine 916 retained).
Molecular consequence: synonymous variant.
Genome position (GRCh38, 1-based): chr16:2,076,496, G>A. VCF-style: chr16-2076496-G-A. GRCh37 (hg19) VCF-style: chr16-2126497-G-A.
Other names: c.2748G>A (NM_000548.4); c.2748G>A, p.Leu916= (NM_001077183.3, NM_001114382.3, NM_001363528.2 and 3 more transcripts); c.2637G>A, p.Leu879= (NM_001318827.2); c.2601G>A, p.Leu867= (NM_001318829.2); c.2148G>A, p.Leu716= (NM_001318831.2); c.2781G>A, p.Leu927= (NM_001318832.2).
Identifiers: ClinVar variation 467963 (VCV000467963.34), dbSNP rs757674443, ClinGen allele CA041724.